The following is an entry in ClinVar:

NM_025103.4(IFT74):c.459C>A (p.Tyr153Ter)

Gene: IFT74 (intraflagellar transport 74; plus strand). Cytogenetic location: 9p21.2.
Variant type: single nucleotide variant.
Coding change: c.459C>A on transcript NM_025103.4 (MANE Select); coding-DNA position 459, C replaced by A.
Protein change: p.Tyr153Ter; replaces tyrosine 153 with a stop codon.
Molecular consequence: nonsense.
Genome position (GRCh38, 1-based): chr9:26,984,553, C>A. VCF-style: chr9-26984553-C-A. GRCh37 (hg19) VCF-style: chr9-26984551-C-A.
Other names: c.459C>A, p.Tyr153Ter (NM_001099222.3, NM_001099223.3, NM_001099224.3 and 1 more transcripts); short protein forms Y153*.
Identifiers: ClinVar variation 1978627 (VCV001978627.4), dbSNP rs752539924, ClinGen allele CA373127977.

ClinVar aggregate classification (germline): Pathogenic (1 of 4 stars; one submission).

Submission:

Labcorp Genetics (formerly Invitae), Labcorp
Classification: Pathogenic. Last evaluated: 2022-07-06. Review status: criteria provided, single submitter. Criteria: Invitae Variant Classification Sherloc (09022015). Collection method: clinical testing. Allele origin: germline.
Comment: This sequence change creates a premature translational stop signal (p.Tyr153*) in the IFT74 gene. It is expected to result in an absent or disrupted protein product. Loss-of-function variants in IFT74 are known to be pathogenic (PMID: 33531668). For these reasons, this variant has been classified as Pathogenic. This variant has not been reported in the literature in individuals affected with IFT74-related conditions. This variant is not present in population databases (gnomAD no frequency).

Literature cited by the submitters: PubMed 33531668.